The following is an entry in ClinVar:

NM_152383.5(DIS3L2):c.1468A>G (p.Thr490Ala)

Gene: DIS3L2 (DIS3 like 3'-5' exoribonuclease 2; plus strand). Cytogenetic location: 2q37.1.
Variant type: single nucleotide variant.
Coding change: c.1468A>G on transcript NM_152383.5 (MANE Select); coding-DNA position 1468, A replaced by G.
Protein change: p.Thr490Ala; replaces threonine 490 with alanine.
Molecular consequence: missense variant. On other transcripts: non-coding transcript variant (2).
Genome position (GRCh38, 1-based): chr2:232,263,249, A>G. VCF-style: chr2-232263249-A-G. GRCh37 (hg19) VCF-style: chr2-233127959-A-G.
Other names: c.1468A>G, p.Thr490Ala (NM_001257281.2); short protein forms T490A.
Identifiers: ClinVar variation 834128 (VCV000834128.9), dbSNP rs1693763778, ClinGen allele CA350975250.

ClinVar aggregate classification (germline): Uncertain significance (1 of 4 stars; one submission).

Conditions:
Perlman syndrome (PRLMNS). Identifiers: Orphanet 2849, MedGen C0796113, MONDO:0009965, OMIM 267000.

Submission:

Labcorp Genetics (formerly Invitae), Labcorp
Classification: Uncertain significance for Perlman syndrome. Last evaluated: 2019-12-11. Review status: criteria provided, single submitter. Criteria: Invitae Variant Classification Sherloc (09022015). Collection method: clinical testing. Allele origin: germline.
Comment: In summary, the available evidence is currently insufficient to determine the role of this variant in disease. Therefore, it has been classified as a Variant of Uncertain Significance. Algorithms developed to predict the effect of missense changes on protein structure and function output the following: SIFT: "Tolerated"; PolyPhen-2: "Benign"; Align-GVGD: "Class C0". The alanine amino acid residue is found in multiple mammalian species, suggesting that this missense change does not adversely affect protein function. These predictions have not been confirmed by published functional studies and their clinical significance is uncertain. This variant has not been reported in the literature in individuals with DIS3L2-related conditions. This variant is not present in population databases (ExAC no frequency). This sequence change replaces threonine with alanine at codon 490 of the DIS3L2 protein (p.Thr490Ala). The threonine residue is weakly conserved and there is a small physicochemical difference between threonine and alanine.